The following is an entry in ClinVar:

ClinVar aggregate classification (germline): Uncertain significance (1 of 4 stars; one submission).

gnomAD v4.1: 20 of 1,551,264 alleles (0.0013%); highest among the groups gnomAD compares: South Asian, 0.0036%; no homozygotes.

Submission:

Labcorp Genetics (formerly Invitae), Labcorp
Classification: Uncertain significance. Last evaluated: 2025-01-25. Review status: criteria provided, single submitter. Criteria: Invitae Variant Classification Sherloc (09022015). Collection method: clinical testing. Allele origin: germline.
Comment: This sequence change replaces isoleucine, which is neutral and non-polar, with threonine, which is neutral and polar, at codon 238 of the DTHD1 protein (p.Ile238Thr). This variant is present in population databases (no rsID available, gnomAD 0.002%). This variant has not been reported in the literature in individuals affected with DTHD1-related conditions. An algorithm developed to predict the effect of missense changes on protein structure and function outputs the following: PolyPhen-2: "Benign". The threonine amino acid residue is found in multiple mammalian species, which suggests that this missense change does not adversely affect protein function. In summary, the available evidence is currently insufficient to determine the role of this variant in disease. Therefore, it has been classified as a Variant of Uncertain Significance.

NM_001170700.3(DTHD1):c.1583T>C (p.Ile528Thr)

Gene: DTHD1 (death domain containing 1; plus strand). Cytogenetic location: 4p14.
Variant type: single nucleotide variant.
Coding change: c.1583T>C on transcript NM_001170700.3 (MANE Select); coding-DNA position 1583, T replaced by C.
Protein change: p.Ile528Thr; replaces isoleucine 528 with threonine.
Molecular consequence: missense variant. On other transcripts: non-coding transcript variant (2).
Genome position (GRCh38, 1-based): chr4:36,294,979, T>C. VCF-style: chr4-36294979-T-C. GRCh37 (hg19) VCF-style: chr4-36296601-T-C.
Other names: c.713T>C, p.Ile238Thr (NM_001136536.5); c.650T>C, p.Ile217Thr (NM_001378435.1); short protein forms I528T, I217T, I238T.
Identifiers: ClinVar variation 3703204 (VCV003703204.2).